The following is an entry in ClinVar:

ClinVar aggregate classification (germline): Uncertain significance (1 of 4 stars; one submission).

gnomAD v4.1: 1 of 1,613,622 alleles (0.000062%); highest among the groups gnomAD compares: Non-Finnish European, 0.000085%; no homozygotes.

Submission:

Women's Health and Genetics/Laboratory Corporation of America, LabCorp
Classification: Uncertain significance. Last evaluated: 2025-10-30. Review status: criteria provided, single submitter. Criteria: LabCorp Variant Classification Summary - May 2015. Collection method: clinical testing. Allele origin: germline.
Comment: Variant summary: CLCN1 c.1013G>T (p.Arg338Leu) results in a non-conservative amino acid change in the encoded protein sequence. Algorithms developed to predict the effect of missense changes on protein structure and function all suggest that this variant is likely to be disruptive. The variant was absent in 251482 control chromosomes. The available data on variant occurrences in the general population are insufficient to allow any conclusion about variant significance. To our knowledge, no occurrence of c.1013G>T in individuals affected with CLCN1-related conditions and no experimental evidence demonstrating its impact on protein function have been reported. No submitters have cited clinical-significance assessments for this variant to ClinVar. Based on the evidence outlined above, the variant was classified as uncertain significance.

NM_000083.3(CLCN1):c.1013G>T (p.Arg338Leu)

Gene: CLCN1 (chloride voltage-gated channel 1; plus strand). Cytogenetic location: 7q34.
Variant type: single nucleotide variant.
Coding change: c.1013G>T on transcript NM_000083.3 (MANE Select); coding-DNA position 1013, G replaced by T.
Protein change: p.Arg338Leu; replaces arginine 338 with leucine.
Molecular consequence: missense variant. On other transcripts: non-coding transcript variant (1).
Genome position (GRCh38, 1-based): chr7:143,331,265, G>T. VCF-style: chr7-143331265-G-T. GRCh37 (hg19) VCF-style: chr7-143028358-G-T.
Other names: short protein forms R338L.
Identifiers: ClinVar variation 4687336 (VCV004687336.1).